The following is an entry in ClinVar:

ClinVar aggregate classification (germline): Uncertain significance (1 of 4 stars; one submission).

Conditions:
Fanconi anemia complementation group E (FANCE). Also called: FANCE-Related Fanconi Anemia. Identifiers: Orphanet 84, MedGen C3160739, MONDO:0010953, OMIM 600901.

Submission:

Labcorp Genetics (formerly Invitae), Labcorp
Classification: Uncertain significance for Fanconi anemia complementation group E. Last evaluated: 2022-09-01. Review status: criteria provided, single submitter. Criteria: Invitae Variant Classification Sherloc (09022015). Collection method: clinical testing. Allele origin: germline.
Comment: In summary, the available evidence is currently insufficient to determine the role of this variant in disease. Therefore, it has been classified as a Variant of Uncertain Significance. Algorithms developed to predict the effect of missense changes on protein structure and function are either unavailable or do not agree on the potential impact of this missense change (SIFT: "Tolerated"; PolyPhen-2: "Possibly Damaging"; Align-GVGD: "Class C0"). This variant has not been reported in the literature in individuals affected with FANCE-related conditions. This variant is not present in population databases (gnomAD no frequency). This sequence change replaces leucine, which is neutral and non-polar, with valine, which is neutral and non-polar, at codon 86 of the FANCE protein (p.Leu86Val).

NM_021922.3(FANCE):c.256C>G (p.Leu86Val)

Gene: FANCE (FA complementation group E; plus strand). Cytogenetic location: 6p21.31.
Variant type: single nucleotide variant.
Coding change: c.256C>G on transcript NM_021922.3 (MANE Select); coding-DNA position 256, C replaced by G.
Protein change: p.Leu86Val; replaces leucine 86 with valine.
Molecular consequence: missense variant.
Genome position (GRCh38, 1-based): chr6:35,455,754, C>G. VCF-style: chr6-35455754-C-G. GRCh37 (hg19) VCF-style: chr6-35423531-C-G.
Other names: c.256C>G, p.Leu86Val (NM_001410876.1); short protein forms L86V.
Identifiers: ClinVar variation 2090430 (VCV002090430.4), dbSNP rs2150889781, ClinGen allele CA363772319.
Genomic context (GRCh38, chr6:35,455,754, plus strand): 5'-TTGTGCTCCCTTCAGCCAAACACTTAACTGCTTGCTCTCCCTCTGCTACCCAGGAAACCA[C>G]TGTTGCTGCGATTGCCCCGGATATGCCAGAGGAACCTGATGTCCCTGCTGATGGCCGTTC-3'
Protein context (NP_068741.1, residues 76-96): GPDGRLELKP[Leu86Val]LLRLPRICQR